The following is an entry in ClinVar:

ClinVar aggregate classification (germline): Uncertain significance. Review status: criteria provided, multiple submitters, no conflicts (2 of 4 stars). 4 submissions from 4 submitters: Uncertain significance (4). Last evaluated 2026-01-14.

Conditions:
Inborn genetic diseases. Identifiers: MedGen C0950123, MeSH D030342.
TECTA-related disorder. Also called: TECTA-related condition.

Allele frequency attached by ClinVar (database versions not stated): gnomAD exomes 0.00008 and 0.00009; TOPMed 0.00009; ExAC 0.00010; gnomAD 0.00011 and 0.00012.
gnomAD v4.1: 127 of 1,613,786 alleles (0.0079%); highest among the groups gnomAD compares: Middle Eastern, 0.016%; no homozygotes.

Submissions (4):

GeneDx
Classification: Uncertain significance. Last evaluated: 2026-01-14. Review status: criteria provided, single submitter. Criteria: GeneDx Variant Classification Process June 2021. Collection method: clinical testing. Allele origin: germline. Affected: yes.
Comment: In silico analysis supports that this missense variant has a deleterious effect on protein structure/function; Has not been previously published as pathogenic or benign to our knowledge

Labcorp Genetics (formerly Invitae), Labcorp
Classification: Uncertain significance. Last evaluated: 2024-03-05. Review status: criteria provided, single submitter. Criteria: Invitae Variant Classification Sherloc (09022015). Collection method: clinical testing. Allele origin: germline.
Comment: This sequence change replaces glycine, which is neutral and non-polar, with serine, which is neutral and polar, at codon 1022 of the TECTA protein (p.Gly1022Ser). The frequency data for this variant in the population databases is considered unreliable, as metrics indicate poor data quality at this position in the gnomAD database. This variant has not been reported in the literature in individuals affected with TECTA-related conditions. ClinVar contains an entry for this variant (Variation ID: 1208824). Advanced modeling of protein sequence and biophysical properties (such as structural, functional, and spatial information, amino acid conservation, physicochemical variation, residue mobility, and thermodynamic stability) has been performed at Invitae for this missense variant, however the output from this modeling did not meet the statistical confidence thresholds required to predict the impact of this variant on TECTA protein function. In summary, the available evidence is currently insufficient to determine the role of this variant in disease. Therefore, it has been classified as a Variant of Uncertain Significance.

PreventionGenetics, part of Exact Sciences
Classification: Uncertain significance for TECTA-related condition. Last evaluated: 2023-05-12. Review status: criteria provided, single submitter. Criteria: ACMG Guidelines, 2015. Collection method: clinical testing. Allele origin: germline.
Comment: The TECTA c.3064G>A variant is predicted to result in the amino acid substitution p.Gly1022Ser. To our knowledge, this variant has not been reported in the literature. This variant is reported in 0.019% of alleles in individuals of European (Non-Finnish) descent in gnomAD. At this time, the clinical significance of this variant is uncertain due to the absence of conclusive functional and genetic evidence.

Ambry Genetics
Classification: Uncertain significance for Inborn genetic diseases. Last evaluated: 2021-08-02. Review status: criteria provided, single submitter. Criteria: Ambry Variant Classification Scheme 2023. Collection method: clinical testing. Allele origin: germline.

NM_005422.4(TECTA):c.3064G>A (p.Gly1022Ser)

Genes: TBCEL-TECTA (TBCEL-TECTA readthrough; plus strand), TECTA (tectorin alpha; plus strand). Cytogenetic location: 11q23.3.
Variant type: single nucleotide variant.
Coding change: c.3064G>A on transcript NM_005422.4 (MANE Select); coding-DNA position 3064, G replaced by A.
Protein change: p.Gly1022Ser; replaces glycine 1022 with serine.
Molecular consequence: missense variant.
Genome position (GRCh38, 1-based): chr11:121,137,543, G>A. VCF-style: chr11-121137543-G-A. GRCh37 (hg19) VCF-style: chr11-121008252-G-A.
Other names: c.4021G>A, p.Gly1341Ser (NM_001378761.1); short protein forms G1022S, G1341S.
Identifiers: ClinVar variation 1208824 (VCV001208824.11), dbSNP rs767265599, ClinGen allele CA6327148.